The following is an entry in ClinVar:

NM_005257.6(GATA6):c.1123G>A (p.Gly375Ser)

Gene: GATA6 (GATA binding protein 6; plus strand). Cytogenetic location: 18q11.2.
Variant type: single nucleotide variant.
Coding change: c.1123G>A on transcript NM_005257.6 (MANE Select); coding-DNA position 1123, G replaced by A.
Protein change: p.Gly375Ser; replaces glycine 375 with serine.
Molecular consequence: missense variant.
Genome position (GRCh38, 1-based): chr18:22,172,267, G>A. VCF-style: chr18-22172267-G-A. GRCh37 (hg19) VCF-style: chr18-19752228-G-A.
Other names: c.1123G>A (NM_005257.4); short protein forms G375S.
Identifiers: ClinVar variation 1504436 (VCV001504436.9), dbSNP rs954640705, ClinGen allele CA297148105.

ClinVar aggregate classification (germline): Uncertain significance. Review status: criteria provided, multiple submitters, no conflicts (2 of 4 stars). 2 submissions from 2 submitters: Uncertain significance (2). Last evaluated 2025-06-24.

Conditions:
Atrioventricular septal defect 5 (AVSD5). Identifiers: MedGen C3280939, MONDO:0013769, OMIM 614474.

Allele frequency attached by ClinVar (database versions not stated): gnomAD 0.00003; TOPMed 0.00003.

Submissions (2):

GeneDx
Classification: Uncertain significance. Last evaluated: 2025-06-24. Review status: criteria provided, single submitter. Criteria: GeneDx Variant Classification Process June 2021. Collection method: clinical testing. Allele origin: germline. Affected: yes.
Comment: In silico analysis suggests that this missense variant does not alter protein structure/function; Has not been previously published as pathogenic or benign to our knowledge

Labcorp Genetics (formerly Invitae), Labcorp
Classification: Uncertain significance for Atrioventricular septal defect 5. Last evaluated: 2025-06-14. Review status: criteria provided, single submitter. Criteria: Invitae Variant Classification Sherloc (09022015). Collection method: clinical testing. Allele origin: germline.
Comment: This sequence change replaces glycine, which is neutral and non-polar, with serine, which is neutral and polar, at codon 375 of the GATA6 protein (p.Gly375Ser). The frequency data for this variant in the population databases is considered unreliable, as metrics indicate poor data quality at this position in the gnomAD database. This variant has not been reported in the literature in individuals affected with GATA6-related conditions. ClinVar contains an entry for this variant (Variation ID: 1504436). Invitae Evidence Modeling of protein sequence and biophysical properties (such as structural, functional, and spatial information, amino acid conservation, physicochemical variation, residue mobility, and thermodynamic stability) indicates that this missense variant is not expected to disrupt GATA6 protein function with a negative predictive value of 80%. In summary, the available evidence is currently insufficient to determine the role of this variant in disease. Therefore, it has been classified as a Variant of Uncertain Significance.